The following is an entry in ClinVar:

NM_199355.4(ADAMTS18):c.3056A>G (p.Lys1019Arg)

Gene: ADAMTS18 (ADAM metallopeptidase with thrombospondin type 1 motif 18; minus strand). Cytogenetic location: 16q23.1.
Variant type: single nucleotide variant.
Coding change: c.3056A>G on transcript NM_199355.4 (MANE Select); coding-DNA position 3056, A replaced by G.
Protein change: p.Lys1019Arg; replaces lysine 1019 with arginine.
Molecular consequence: missense variant.
Genome position (GRCh38, 1-based): chr16:77,293,209, T>C on the plus strand (A>G on the coding strand, the complement: ADAMTS18 is on the minus strand). VCF-style: chr16-77293209-T-C. GRCh37 (hg19) VCF-style: chr16-77327106-T-C.
Other names: c.2540A>G, p.Lys847Arg (NM_001326358.2); short protein forms K1019R, K847R.
Identifiers: ClinVar variation 1022446 (VCV001022446.7), dbSNP rs2055400710, ClinGen allele CA396832946.

ClinVar aggregate classification (germline): Uncertain significance (1 of 4 stars; one submission).

Submission:

Labcorp Genetics (formerly Invitae), Labcorp
Classification: Uncertain significance. Last evaluated: 2020-02-03. Review status: criteria provided, single submitter. Criteria: Invitae Variant Classification Sherloc (09022015). Collection method: clinical testing. Allele origin: germline.
Comment: This sequence change replaces lysine with arginine at codon 1019 of the ADAMTS18 protein (p.Lys1019Arg). The lysine residue is weakly conserved and there is a small physicochemical difference between lysine and arginine. This variant is not present in population databases (ExAC no frequency). This variant has not been reported in the literature in individuals with ADAMTS18-related conditions. Algorithms developed to predict the effect of missense changes on protein structure and function output the following: SIFT: "Not Available"; PolyPhen-2: "Benign"; Align-GVGD: "Class Not Available". The arginine amino acid residue is found in multiple mammalian species, suggesting that this missense change does not adversely affect protein function. These predictions have not been confirmed by published functional studies and their clinical significance is uncertain. In summary, the available evidence is currently insufficient to determine the role of this variant in disease. Therefore, it has been classified as a Variant of Uncertain Significance.